The following is an entry in ClinVar:

NM_001374828.1(ARID1B):c.4825C>T (p.Gln1609Ter)

Gene: ARID1B (AT-rich interaction domain 1B; plus strand). Cytogenetic location: 6q25.3.
Variant type: single nucleotide variant.
Coding change: c.4825C>T on transcript NM_001374828.1 (MANE Select); coding-DNA position 4825, C replaced by T.
Protein change: p.Gln1609Ter; replaces glutamine 1609 with a stop codon.
Molecular consequence: nonsense.
Genome position (GRCh38, 1-based): chr6:157,201,050, C>T. VCF-style: chr6-157201050-C-T. GRCh37 (hg19) VCF-style: chr6-157522184-C-T.
Other names: c.4456C>T, p.Gln1486Ter (NM_020732.3); c.2326C>T, p.Gln776Ter (NM_001363725.2); c.4705C>T, p.Gln1569Ter (NM_001371656.1, NM_001374820.1); c.4666C>T, p.Gln1556Ter (NM_017519.3); short protein forms Q1486*, Q776*, Q1556*, Q1569*, Q1609*.
Identifiers: ClinVar variation 418864 (VCV000418864.6), dbSNP rs1064793482, ClinGen allele CA16618266.
Genomic context (GRCh38, chr6:157,201,050, plus strand): 5'-GCAGCACGCAATGATATGCCTTATCCCTACCAGAACAGGCAGGGCCCTGGCGGCCCTACA[C>T]AGGCGCCCCCTTACCCAGGCATGAACCGCACAGACGATATGATGGTACCCGATCAGAGGA-3'

ClinVar aggregate classification (germline): Pathogenic/Likely pathogenic. Review status: criteria provided, multiple submitters, no conflicts (2 of 4 stars). 3 submissions from 3 submitters: Pathogenic (2); Likely pathogenic (1). Last evaluated 2025-02-16.

Conditions:
Coffin-Siris syndrome 1 (CSS1). Also called: Mental retardation, autosomal dominant 12; ARID1B-Related Coffin-Siris Syndrome. Identifiers: Orphanet 1465, MedGen C3281201, MONDO:0007617, OMIM 135900. Disease mechanism: gain of function.

Submissions (3):

Laboratory of Genetics, Children's Clinical University Hospital Latvia
Classification: Pathogenic. Last evaluated: 2025-02-16. Review status: criteria provided, single submitter. Criteria: ACMG Guidelines, 2015. Collection method: clinical testing. Allele origin: germline. Affected: yes.

GeneDx
Classification: Pathogenic. Last evaluated: 2019-09-25. Review status: criteria provided, single submitter. Criteria: GeneDx Variant Classification Process June 2021. Collection method: clinical testing. Allele origin: germline. Affected: yes.
Comment: Nonsense variant predicted to result in protein truncation or nonsense mediated decay in a gene for which loss-of-function is a known mechanism of disease; Not observed in large population cohorts (Lek et al., 2016); Has not been previously published as pathogenic or benign to our knowledge; This variant is associated with the following publications: (PMID: 30349098)

Molecular Genetics Department, Kulakov National Medical Research Center for Obstetrics, Gynecology and Perinatology
Classification: Likely pathogenic for Coffin-Siris syndrome 1. Review status: criteria provided, single submitter. Criteria: ACMG Guidelines, 2015. Collection method: clinical testing. Allele origin: germline. Affected: yes.
Comment: A previously undescribed nucleotide variant creates a premature translation stop signal p.Gln1609Ter in the ARID1B gene. Loss-of-function variants are reported in patients with Coffin-Siris syndrome 1, 135900. The variant is not present in population database (gnomAD no frequency). In summary, the currently available evidence indicates that the variant is pathogenic, but additional data are needed to prove that conclusively. Therefore, this variant has been classified as likely pathogenic.